The following is an entry in ClinVar:

NM_005045.4(RELN):c.6110A>G (p.Asp2037Gly)

Gene: RELN (reelin; minus strand). Cytogenetic location: 7q22.1.
Variant type: single nucleotide variant.
Coding change: c.6110A>G on transcript NM_005045.4 (MANE Select); coding-DNA position 6110, A replaced by G.
Protein change: p.Asp2037Gly; replaces aspartic acid 2037 with glycine.
Molecular consequence: missense variant.
Genome position (GRCh38, 1-based): chr7:103,551,259, T>C on the plus strand (A>G on the coding strand, the complement: RELN is on the minus strand). VCF-style: chr7-103551259-T-C. GRCh37 (hg19) VCF-style: chr7-103191706-T-C.
Other names: c.6110A>G, p.Asp2037Gly (NM_173054.3); short protein forms D2037G.
Identifiers: ClinVar variation 3758936 (VCV003758936.2).

ClinVar aggregate classification (germline): Uncertain significance (1 of 4 stars; one submission).

Conditions:
Norman-Roberts syndrome (LIS2). Also called: Lissencephaly 2 (Norman-Roberts type). Identifiers: Orphanet 89844, MedGen C0796089, MONDO:0009760, OMIM 257320.
Familial temporal lobe epilepsy 7. Identifiers: Orphanet 101046, MedGen C4225327, MONDO:0014639, OMIM 616436.

Submission:

Labcorp Genetics (formerly Invitae), Labcorp
Classification: Uncertain significance for Familial temporal lobe epilepsy 7; Norman-Roberts syndrome. Last evaluated: 2025-01-07. Review status: criteria provided, single submitter. Criteria: Invitae Variant Classification Sherloc (09022015). Collection method: clinical testing. Allele origin: germline.
Comment: This sequence change replaces aspartic acid, which is acidic and polar, with glycine, which is neutral and non-polar, at codon 2037 of the RELN protein (p.Asp2037Gly). This variant is not present in population databases (gnomAD no frequency). This variant has not been reported in the literature in individuals affected with RELN-related conditions. Invitae Evidence Modeling of protein sequence and biophysical properties (such as structural, functional, and spatial information, amino acid conservation, physicochemical variation, residue mobility, and thermodynamic stability) indicates that this missense variant is not expected to disrupt RELN protein function with a negative predictive value of 80%. In summary, the available evidence is currently insufficient to determine the role of this variant in disease. Therefore, it has been classified as a Variant of Uncertain Significance.